The following is an entry in ClinVar:

ClinVar aggregate classification (germline): Uncertain significance. Review status: criteria provided, multiple submitters, no conflicts (2 of 4 stars). 3 submissions from 3 submitters: Uncertain significance (2). 1 of the submissions does not count toward it. Last evaluated 2021-04-05.

Conditions:
Ataxia-telangiectasia syndrome (AT). Also called: Cerebello-oculocutaneous telangiectasia; Immunodeficiency with ataxia telangiectasia; Ataxia-telangiectasia, complementation group E; Ataxia-telangiectasia, complementation group D; AT, COMPLEMENTATION GROUP C; ATAXIA-TELANGIECTASIA, COMPLEMENTATION GROUP A. Identifiers: Orphanet 100, MedGen C0004135, MONDO:0008840, OMIM 208900.
Hereditary cancer-predisposing syndrome. Also called: Hereditary Cancer Syndrome; Neoplastic Syndromes, Hereditary; Hereditary neoplastic syndrome; Tumor predisposition. Identifiers: Orphanet 140162, MedGen C0027672, MeSH D009386, MONDO:0015356.

Submissions (3):

Labcorp Genetics (formerly Invitae), Labcorp
Classification: Uncertain significance for Ataxia-telangiectasia syndrome. Last evaluated: 2021-04-05. Review status: criteria provided, single submitter. Criteria: Invitae Variant Classification Sherloc (09022015). Collection method: clinical testing. Allele origin: germline.
Comment: This sequence change replaces threonine with arginine at codon 460 of the ATM protein (p.Thr460Arg). The threonine residue is weakly conserved and there is a moderate physicochemical difference between threonine and arginine. This variant is not present in population databases (ExAC no frequency). This variant has not been reported in the literature in individuals with ATM-related conditions. ClinVar contains an entry for this variant (Variation ID: 819041). Advanced modeling of protein sequence and biophysical properties (such as structural, functional, and spatial information, amino acid conservation, physicochemical variation, residue mobility, and thermodynamic stability) performed at Invitae indicates that this missense variant is not expected to disrupt ATM protein function. Algorithms developed to predict the effect of sequence changes on RNA splicing suggest that this variant may create or strengthen a splice site, but this prediction has not been confirmed by published transcriptional studies. In summary, the available evidence is currently insufficient to determine the role of this variant in disease. Therefore, it has been classified as a Variant of Uncertain Significance.

Ambry Genetics
Classification: Uncertain significance for Hereditary cancer-predisposing syndrome. Last evaluated: 2018-03-16. Review status: criteria provided, single submitter. Criteria: Ambry Variant Classification Scheme 2023. Collection method: clinical testing. Allele origin: germline.
Comment: The p.T460R variant (also known as c.1379C>G), located in coding exon 9 of the ATM gene, results from a C to G substitution at nucleotide position 1379. The threonine at codon 460 is replaced by arginine, an amino acid with similar properties. This amino acid position is poorly conserved in available vertebrate species. In addition, this alteration is predicted to be tolerated by in silico analysis. Since supporting evidence is limited at this time, the clinical significance of this alteration remains unclear.

Natera, Inc.
Classification: Uncertain significance for Ataxia-telangiectasia. Last evaluated: 2020-09-15. Review status: no assertion criteria provided. Collection method: clinical testing. Allele origin: germline. Not counted in ClinVar's aggregate classification.

NM_000051.4(ATM):c.1379C>G (p.Thr460Arg)

Gene: ATM (ATM serine/threonine kinase; plus strand). Cytogenetic location: 11q22.3.
Variant type: single nucleotide variant.
Coding change: c.1379C>G on transcript NM_000051.4 (MANE Select); coding-DNA position 1379, C replaced by G.
Protein change: p.Thr460Arg; replaces threonine 460 with arginine.
Molecular consequence: missense variant.
Genome position (GRCh38, 1-based): chr11:108,250,844, C>G. VCF-style: chr11-108250844-C-G. GRCh37 (hg19) VCF-style: chr11-108121571-C-G.
Other names: c.1379C>G, p.Thr460Arg (NM_001351834.2); short protein forms T460R.
Identifiers: ClinVar variation 819041 (VCV000819041.13), dbSNP rs587781841, ClinGen allele CA382533857.
Genomic context (GRCh38, chr11:108,250,844, plus strand): 5'-CTCAGCTTCTACCCCAACAGCGACATGGGGAACGTACACCATATGTGTTACGATGCCTTA[C>G]GGAAGTTGCATTGTGTCAAGACAAGAGGTCAAACCTAGAAAGCTCACAAAAGTCAGATTT-3'
Protein context (NP_000042.3, residues 450-470): ERTPYVLRCL[Thr460Arg]EVALCQDKRS